The following is an entry in ClinVar:

NM_001005373.4(LRSAM1):c.756G>T (p.Arg252Ser)

Gene: LRSAM1 (leucine rich repeat and sterile alpha motif containing 1; plus strand). Cytogenetic location: 9q33.3.
Variant type: single nucleotide variant.
Coding change: c.756G>T on transcript NM_001005373.4 (MANE Select); coding-DNA position 756, G replaced by T.
Protein change: p.Arg252Ser; replaces arginine 252 with serine.
Molecular consequence: missense variant. On other transcripts: 5 prime UTR variant (1), non-coding transcript variant (2).
Genome position (GRCh38, 1-based): chr9:127,478,939, G>T. VCF-style: chr9-127478939-G-T. GRCh37 (hg19) VCF-style: chr9-130241218-G-T.
Other names: c.756G>T, p.Arg252Ser (NM_001005374.4, NM_001190723.3, NM_001384142.1 and 2 more transcripts); c.-34G>T (NM_001384144.1); short protein forms R252S.
Identifiers: ClinVar variation 2992491 (VCV002992491.3), dbSNP rs763793736, ClinGen allele CA5246695.
Genomic context (GRCh38, chr9:127,478,939, plus strand): 5'-CAGGGAGAACCACTGCTGCCACCCTCTCTTGACCACTGTCTTTTTTTCCTCCCAGAACAG[G>T]TTCTCAGACTATGAGAAGAGGAAGGTAAGAAAATGCCTTTACCCTTCTGTCACTCTTTTC-3'
Protein context (NP_001005373.1, residues 242-262): FSREELEWQN[Arg252Ser]FSDYEKRKEQ

ClinVar aggregate classification (germline): Uncertain significance (1 of 4 stars; one submission).

Conditions:
Charcot-Marie-Tooth disease axonal type 2P. Also called: CHARCOT-MARIE-TOOTH NEUROPATHY, TYPE 2P; Charcot-Marie-Tooth Neuropathy Type 2G; CHARCOT-MARIE-TOOTH DISEASE, AXONAL, TYPE 2G; CMT 2G. Identifiers: Orphanet 300319, Orphanet 99941, MedGen C3280797, MONDO:0013753, OMIM 614436.

Allele frequency attached by ClinVar (database versions not stated): ExAC 0.00001; gnomAD 0.00001; TOPMed 0.00001.
gnomAD v4.1: 2 of 1,613,958 alleles (0.00012%); highest among the groups gnomAD compares: Middle Eastern, 0.016%; no homozygotes.

Submission:

Labcorp Genetics (formerly Invitae), Labcorp
Classification: Uncertain significance for Charcot-Marie-Tooth disease axonal type 2P. Last evaluated: 2023-05-30. Review status: criteria provided, single submitter. Criteria: Invitae Variant Classification Sherloc (09022015). Collection method: clinical testing. Allele origin: germline.
Comment: In summary, the available evidence is currently insufficient to determine the role of this variant in disease. Therefore, it has been classified as a Variant of Uncertain Significance. Advanced modeling of protein sequence and biophysical properties (such as structural, functional, and spatial information, amino acid conservation, physicochemical variation, residue mobility, and thermodynamic stability) performed at Invitae indicates that this missense variant is not expected to disrupt LRSAM1 protein function. This variant has not been reported in the literature in individuals affected with LRSAM1-related conditions. This variant is present in population databases (rs763793736, gnomAD 0.006%). This sequence change replaces arginine, which is basic and polar, with serine, which is neutral and polar, at codon 252 of the LRSAM1 protein (p.Arg252Ser).